The following is an entry in ClinVar:

ClinVar aggregate classification (germline): Uncertain significance (1 of 4 stars; one submission).

Submission:

Labcorp Genetics (formerly Invitae), Labcorp
Classification: Uncertain significance. Last evaluated: 2025-06-19. Review status: criteria provided, single submitter. Criteria: Invitae Variant Classification Sherloc (09022015). Collection method: clinical testing. Allele origin: germline.
Comment: This variant, c.961_963del, results in the deletion of 1 amino acid(s) of the CFP protein (p.Trp321del), but otherwise preserves the integrity of the reading frame. This variant is not present in population databases (gnomAD no frequency). This variant has not been reported in the literature in individuals affected with CFP-related conditions. Experimental studies and prediction algorithms are not available or were not evaluated, and the functional significance of this variant is currently unknown. In summary, the available evidence is currently insufficient to determine the role of this variant in disease. Therefore, it has been classified as a Variant of Uncertain Significance.

NM_001145252.3(CFP):c.961_963del (p.Trp321del)

Gene: CFP (complement factor properdin; minus strand). Cytogenetic location: Xp11.23.
Variant type: Deletion.
Coding change: c.961_963del on transcript NM_001145252.3 (MANE Select); coding-DNA positions 961 to 963, 3 bases deleted (TGG; older notation c.961_963delTGG).
Protein change: p.Trp321del; deletes tryptophan 321.
Molecular consequence: inframe deletion.
Genome position (GRCh38, 1-based): chrX:47,626,497-47,626,499, CCA deleted on the plus strand (TGG on the coding strand, the reverse complement: CFP is on the minus strand); deleting any 3 consecutive bases within chrX:47,626,497-47,626,500 gives the same sequence; the c. name uses the placement nearest the transcript's 3' end. VCF-style (leftmost placement, unchanged base first): chrX-47626496-CCCA-C. GRCh37 (hg19) VCF-style: chrX-47485895-CCCA-C.
Other names: c.961_963del, p.Trp321del (NM_002621.2); short protein forms W321del.
Identifiers: ClinVar variation 4721737 (VCV004721737.1).
Genomic context (GRCh38, chrX:47,626,496, plus strand): 5'-CCGGGATTTCTTGACAGCTGATGGACTTCATGTTCCGTCGGATACAGGGGCTCCACTCCC[CCCA>C]CGAGTCCCACTCCCCATCCACTGCAGAGACAGGGCAACAGGGGATTGGACCAAAGCAGGG-3'